The following is an entry in ClinVar:

ClinVar aggregate classification (germline): Uncertain significance (1 of 4 stars; one submission).

Conditions:
Hypertrophic cardiomyopathy. Also called: HYPERTROPHIC MYOCARDIOPATHY. Identifiers: Orphanet 217569, MedGen C0007194, MeSH D002312, MONDO:0005045, HP:0001639.

Submission:

Labcorp Genetics (formerly Invitae), Labcorp
Classification: Uncertain significance for Hypertrophic cardiomyopathy. Last evaluated: 2025-07-03. Review status: criteria provided, single submitter. Criteria: Invitae Variant Classification Sherloc (09022015). Collection method: clinical testing. Allele origin: germline.
Comment: This sequence change replaces glutamic acid, which is acidic and polar, with glycine, which is neutral and non-polar, at codon 162 of the MYL3 protein (p.Glu162Gly). This variant is present in population databases (rs755662818, gnomAD 0.0009%). This variant has not been reported in the literature in individuals affected with MYL3-related conditions. An algorithm developed to predict the effect of missense changes on protein structure and function (PolyPhen-2) suggests that this variant is likely to be disruptive. In summary, the available evidence is currently insufficient to determine the role of this variant in disease. Therefore, it has been classified as a Variant of Uncertain Significance.

NM_000258.3(MYL3):c.485A>G (p.Glu162Gly)

Gene: MYL3 (myosin light chain 3; minus strand). Cytogenetic location: 3p21.31.
Variant type: single nucleotide variant.
Coding change: c.485A>G on transcript NM_000258.3 (MANE Select); coding-DNA position 485, A replaced by G.
Protein change: p.Glu162Gly; replaces glutamic acid 162 with glycine.
Molecular consequence: missense variant. On other transcripts: intron variant (1).
Genome position (GRCh38, 1-based): chr3:46,858,458, T>C on the plus strand (A>G on the coding strand, the complement: MYL3 is on the minus strand). VCF-style: chr3-46858458-T-C. GRCh37 (hg19) VCF-style: chr3-46899948-T-C.
Other names: c.485A>G, p.Glu162Gly (NM_001406937.1, NM_001406938.1, NM_001406939.1); c.311A>G, p.Glu104Gly (NM_001406940.1); c.308-12A>G (NM_001406941.1); short protein forms E162G, E104G.
Identifiers: ClinVar variation 4774627 (VCV004774627.1).